The following is an entry in ClinVar:

ClinVar aggregate classification (germline): Uncertain significance (1 of 4 stars; one submission).

gnomAD v4.1: 15 of 1,613,610 alleles (0.00093%); highest among the groups gnomAD compares: East Asian, 0.0067%; no homozygotes.

Submission:

Women's Health and Genetics/Laboratory Corporation of America, LabCorp
Classification: Uncertain significance. Last evaluated: 2025-02-19. Review status: criteria provided, single submitter. Criteria: LabCorp Variant Classification Summary - May 2015. Collection method: clinical testing. Allele origin: germline.
Comment: Variant summary: TRPM7 c.1676G>A (p.Arg559Gln) results in a conservative amino acid change in the encoded protein sequence. Four of five in-silico tools predict a benign effect of the variant on protein function. The variant allele was found at a frequency of 1.6e-05 in 249350 control chromosomes. The available data on variant occurrences in the general population are insufficient to allow any conclusion about variant significance. To our knowledge, no occurrence of c.1676G>A in individuals affected with Amyotrophic Lateral Sclerosis-Parkinsonism Complex and no experimental evidence demonstrating its impact on protein function have been reported. No submitters have cited clinical-significance assessments for this variant to ClinVar. Based on the evidence outlined above, the variant was classified as uncertain significance.

NM_017672.6(TRPM7):c.1676G>A (p.Arg559Gln)

Gene: TRPM7 (transient receptor potential cation channel subfamily M member 7; minus strand). Cytogenetic location: 15q21.2.
Variant type: single nucleotide variant.
Coding change: c.1676G>A on transcript NM_017672.6 (MANE Select); coding-DNA position 1676, G replaced by A.
Protein change: p.Arg559Gln; replaces arginine 559 with glutamine.
Molecular consequence: missense variant. On other transcripts: non-coding transcript variant (3).
Genome position (GRCh38, 1-based): chr15:50,613,801, C>T on the plus strand (G>A on the coding strand, the complement: TRPM7 is on the minus strand). VCF-style: chr15-50613801-C-T. GRCh37 (hg19) VCF-style: chr15-50905998-C-T.
Other names: c.1676G>A, p.Arg559Gln (NM_001301212.2); short protein forms R559Q.
Identifiers: ClinVar variation 3768961 (VCV003768961.1).